The following is an entry in ClinVar:

NM_000416.3(IFNGR1):c.566C>T (p.Thr189Met)

Gene: IFNGR1 (interferon gamma receptor 1; minus strand). Cytogenetic location: 6q23.3.
Variant type: single nucleotide variant.
Coding change: c.566C>T on transcript NM_000416.3 (MANE Select); coding-DNA position 566, C replaced by T.
Protein change: p.Thr189Met; replaces threonine 189 with methionine.
Molecular consequence: missense variant.
Genome position (GRCh38, 1-based): chr6:137,203,666, G>A on the plus strand (C>T on the coding strand, the complement: IFNGR1 is on the minus strand). VCF-style: chr6-137203666-G-A. GRCh37 (hg19) VCF-style: chr6-137524803-G-A.
Other names: c.536C>T, p.Thr179Met (NM_001363526.1); c.443C>T, p.Thr148Met (NM_001363527.1); short protein forms T148M, T189M, T179M.
Identifiers: ClinVar variation 840712 (VCV000840712.32), dbSNP rs55881171, ClinGen allele CA4018923.

ClinVar aggregate classification (germline): Uncertain significance. Review status: criteria provided, multiple submitters, no conflicts (2 of 4 stars). 2 submissions from 2 submitters: Uncertain significance (2). Last evaluated 2025-08-20.

Conditions:
Disseminated atypical mycobacterial infection. Identifiers: MedGen C0694566.

Allele frequency attached by ClinVar (database versions not stated): TOPMed 0.00006.
gnomAD v4.1: 45 of 1,612,170 alleles (0.0028%); highest among the groups gnomAD compares: African/African-American, 0.0067%; no homozygotes.

Submissions (2):

Labcorp Genetics (formerly Invitae), Labcorp
Classification: Uncertain significance for Disseminated atypical mycobacterial infection. Last evaluated: 2025-08-20. Review status: criteria provided, single submitter. Criteria: Invitae Variant Classification Sherloc (09022015). Collection method: clinical testing. Allele origin: germline.
Comment: This sequence change replaces threonine, which is neutral and polar, with methionine, which is neutral and non-polar, at codon 189 of the IFNGR1 protein (p.Thr189Met). The frequency data for this variant in the population databases is considered unreliable, as metrics indicate poor data quality at this position in the gnomAD database. This variant has not been reported in the literature in individuals affected with IFNGR1-related conditions. ClinVar contains an entry for this variant (Variation ID: 840712). Invitae Evidence Modeling of protein sequence and biophysical properties (such as structural, functional, and spatial information, amino acid conservation, physicochemical variation, residue mobility, and thermodynamic stability) indicates that this missense variant is not expected to disrupt IFNGR1 protein function with a negative predictive value of 80%. In summary, the available evidence is currently insufficient to determine the role of this variant in disease. Therefore, it has been classified as a Variant of Uncertain Significance.

CeGaT Center for Human Genetics Tuebingen
Classification: Uncertain significance. Last evaluated: 2024-01-01. Review status: criteria provided, single submitter. Criteria: CeGaT Center For Human Genetics Tuebingen Variant Classification Criteria Version 2. Collection method: clinical testing. Allele origin: germline. Affected: yes. Observed: 1 variant allele.
Comment: IFNGR1: PM2, BP4